The following is an entry in ClinVar:

NM_198075.4(LRRC56):c.1181+1G>T

Gene: LRRC56 (leucine rich repeat containing 56; plus strand). Cytogenetic location: 11p15.5.
Variant type: single nucleotide variant.
Coding change: c.1181+1G>T on transcript NM_198075.4 (MANE Select); the canonical splice donor site of the intron after coding-DNA position 1181, G replaced by T.
Molecular consequence: splice donor variant.
Genome position (GRCh38, 1-based): chr11:552,233, G>T. VCF-style: chr11-552233-G-T. GRCh37 (hg19) VCF-style: chr11-552233-G-T.
Identifiers: ClinVar variation 2849173 (VCV002849173.3), dbSNP rs2539928316, ClinGen allele CA378950526.

ClinVar aggregate classification (germline): Likely pathogenic (1 of 4 stars; one submission).

Submission:

Labcorp Genetics (formerly Invitae), Labcorp
Classification: Likely pathogenic. Last evaluated: 2023-03-24. Review status: criteria provided, single submitter. Criteria: Invitae Variant Classification Sherloc (09022015). Collection method: clinical testing. Allele origin: germline.
Comment: Algorithms developed to predict the effect of sequence changes on RNA splicing suggest that this variant may disrupt the consensus splice site. In summary, the currently available evidence indicates that the variant is pathogenic, but additional data are needed to prove that conclusively. Therefore, this variant has been classified as Likely Pathogenic. This variant has not been reported in the literature in individuals affected with LRRC56-related conditions. This sequence change affects a donor splice site in intron 12 of the LRRC56 gene. It is expected to disrupt RNA splicing. Variants that disrupt the donor or acceptor splice site typically lead to a loss of protein function (PMID: 16199547), and loss-of-function variants in LRRC56 are known to be pathogenic (PMID: 30388400). This variant is not present in population databases (gnomAD no frequency).

Literature cited by the submitters: PubMed 16199547; PubMed 30388400.